The following is an entry in ClinVar:

NM_006939.4(SOS2):c.2161+1_2161+2delinsAA

Gene: SOS2 (SOS Ras/Rho guanine nucleotide exchange factor 2; minus strand). Cytogenetic location: 14q21.3.
Variant type: Indel.
Coding change: c.2161+1_2161+2delinsAA on transcript NM_006939.4 (MANE Select); the canonical splice donor site of the intron after coding-DNA position 2161, GT replaced by AA.
Molecular consequence: splice donor variant.
Genome position (GRCh38, 1-based): chr14:50,153,068-50,153,069, AC replaced by TT on the plus strand (GT replaced by AA on the coding strand, the reverse complement: SOS2 is on the minus strand). VCF-style: chr14-50153068-AC-TT. GRCh37 (hg19) VCF-style: chr14-50619786-AC-TT.
Other names: c.2062+1_2062+2delinsAA (NM_001411020.1).
Identifiers: ClinVar variation 4731366 (VCV004731366.1).

ClinVar aggregate classification (germline): Uncertain significance (1 of 4 stars; one submission).

Conditions:
Noonan syndrome 9 (NS9). Identifiers: Orphanet 648, MedGen C4225282, MONDO:0014691, OMIM 616559.

Submission:

Labcorp Genetics (formerly Invitae), Labcorp
Classification: Uncertain significance for Noonan syndrome 9. Last evaluated: 2025-11-17. Review status: criteria provided, single submitter. Criteria: Invitae Variant Classification Sherloc (09022015). Collection method: clinical testing. Allele origin: germline.
Comment: This sequence change affects a splice site in intron 13 of the SOS2 gene. It is expected to disrupt RNA splicing. Variants that disrupt the donor or acceptor splice site typically lead to a loss of protein function (PMID: 16199547), however the current clinical and genetic evidence is not sufficient to establish whether loss-of-function variants in SOS2 cause disease. Information on the frequency of this variant in the gnomAD database is not available, as this variant may be reported differently in the database. This variant has not been reported in the literature in individuals affected with SOS2-related conditions. In summary, the available evidence is currently insufficient to determine the role of this variant in disease. Therefore, it has been classified as a Variant of Uncertain Significance.

Literature cited by the submitters: PubMed 16199547.